The following is an entry in ClinVar:

ClinVar aggregate classification (germline): Uncertain significance. Review status: criteria provided, multiple submitters, no conflicts (2 of 4 stars). 2 submissions from 2 submitters: Uncertain significance (2). Last evaluated 2025-08-25.

Conditions:
Inborn genetic diseases. Identifiers: MedGen C0950123, MeSH D030342.
Epidermolysis bullosa simplex 5B, with muscular dystrophy (EBS5B). Also called: EPIDERMOLYSIS BULLOSA SIMPLEX AND LIMB-GIRDLE MUSCULAR DYSTROPHY; Epidermolysis bullosa simplex with muscular dystrophy. Identifiers: Orphanet 257, MedGen C2931072, MONDO:0009181, OMIM 226670.
Epidermolysis bullosa simplex, Ogna type (EBS5A). Also called: Pidermolysis bullosa simplex 5A, Ogna type; EPIDERMOLYSIS BULLOSA SIMPLEX 5A, OGNA TYPE. Identifiers: Orphanet 79401, MedGen C0432317, MONDO:0007555, OMIM 131950.
Epidermolysis bullosa simplex with nail dystrophy (EBS5D). Identifiers: MedGen C4225309, MONDO:0014661, OMIM 616487.
Autosomal recessive limb-girdle muscular dystrophy type 2Q (LGMDR17). Also called: MUSCULAR DYSTROPHY, LIMB-GIRDLE, AUTOSOMAL RECESSIVE 17. Identifiers: Orphanet 254361, MedGen C3150989, MONDO:0013390, OMIM 613723.
Epidermolysis bullosa simplex 5C, with pyloric atresia (EBS5C). Also called: PLEC1-Related Epidermolysis Bullosa with Pyloric Atresia; Epidermolysis bullosa simplex with pyloric atresia; PLEC-Related Epidermolysis Bullosa with Pyloric Atresia. Identifiers: Orphanet 158684, MedGen C2677349, MONDO:0012807, OMIM 612138.

Allele frequency attached by ClinVar (database versions not stated): TOPMed 0.00001; ExAC 0.00003; 1000 Genomes Project 30x 0.00016; 1000 Genomes Project 0.00020.
gnomAD v4.1: 80 of 1,612,530 alleles (0.005%); highest among the groups gnomAD compares: East Asian, 0.0089%; no homozygotes.

Submissions (2):

Labcorp Genetics (formerly Invitae), Labcorp
Classification: Uncertain significance for Autosomal recessive limb-girdle muscular dystrophy type 2Q; Epidermolysis bullosa simplex, Ogna type; Epidermolysis bullosa simplex with nail dystrophy; Epidermolysis bullosa simplex 5C, with pyloric atresia; Epidermolysis bullosa simplex 5B, with muscular dystrophy. Last evaluated: 2025-08-25. Review status: criteria provided, single submitter. Criteria: Invitae Variant Classification Sherloc (09022015). Collection method: clinical testing. Allele origin: germline.
Comment: This sequence change replaces arginine, which is basic and polar, with cysteine, which is neutral and slightly polar, at codon 499 of the PLEC protein (p.Arg499Cys). This variant is present in population databases (rs559590378, gnomAD 0.02%). This variant has not been reported in the literature in individuals affected with PLEC-related conditions. ClinVar contains an entry for this variant (Variation ID: 1897998). Experimental studies and prediction algorithms are not available or were not evaluated, and the functional significance of this variant is currently unknown. In summary, the available evidence is currently insufficient to determine the role of this variant in disease. Therefore, it has been classified as a Variant of Uncertain Significance.

Ambry Genetics
Classification: Uncertain significance for Inborn genetic diseases. Last evaluated: 2021-09-27. Review status: criteria provided, single submitter. Criteria: Ambry Variant Classification Scheme 2023. Collection method: clinical testing. Allele origin: germline.

NM_201384.3(PLEC):c.1414C>T (p.Arg472Cys)

Gene: PLEC (plectin; minus strand). Cytogenetic location: 8q24.3.
Variant type: single nucleotide variant.
Coding change: c.1414C>T on transcript NM_201384.3 (MANE Select); coding-DNA position 1414, C replaced by T.
Protein change: p.Arg472Cys; replaces arginine 472 with cysteine.
Molecular consequence: missense variant.
Genome position (GRCh38, 1-based): chr8:143,933,201, G>A on the plus strand (C>T on the coding strand, the complement: PLEC is on the minus strand). VCF-style: chr8-143933201-G-A. GRCh37 (hg19) VCF-style: chr8-145007369-G-A.
Other names: c.1495C>T, p.Arg499Cys (NM_000445.5, NM_001410941.1); c.1372C>T, p.Arg458Cys (NM_201378.4); c.1348C>T, p.Arg450Cys (NM_201379.3); c.1825C>T, p.Arg609Cys (NM_201380.4); c.1318C>T, p.Arg440Cys (NM_201381.3); c.1414C>T, p.Arg472Cys (NM_201382.4); c.1426C>T, p.Arg476Cys (NM_201383.3); short protein forms R440C, R458C, R609C, R450C, R476C, R472C, R499C.
Identifiers: ClinVar variation 1897998 (VCV001897998.6), dbSNP rs559590378, ClinGen allele CA4927985.
Genomic context (GRCh38, chr8:143,933,201, plus strand): 5'-TGGCGGGCCTGGGGCCGTGTGTACCTGGGCTTCAGGGAGGGCAGGGCGGGGCCCACCTGC[G>A]GTACATCTGCTCGCCCTGCGGGTGCCGTCCATCCTTGAGGGTCTGCACGTCGTTGAAGAG-3'
Protein context (NP_958786.1, residues 462-482): GRHPQGEQMY[Arg472Cys]RVYRLHERLV